The following is an entry in ClinVar:

NM_015295.3(SMCHD1):c.3786G>A (p.Trp1262Ter)

Gene: SMCHD1 (structural maintenance of chromosomes flexible hinge domain containing 1; plus strand). Cytogenetic location: 18p11.32.
Variant type: single nucleotide variant.
Coding change: c.3786G>A on transcript NM_015295.3 (MANE Select); coding-DNA position 3786, G replaced by A.
Protein change: p.Trp1262Ter; replaces tryptophan 1262 with a stop codon.
Molecular consequence: nonsense.
Genome position (GRCh38, 1-based): chr18:2,743,913, G>A. VCF-style: chr18-2743913-G-A. GRCh37 (hg19) VCF-style: chr18-2743911-G-A.
Other names: short protein forms W1262*.
Identifiers: ClinVar variation 2052607 (VCV002052607.4), dbSNP rs2510110251, ClinGen allele CA401689764.

ClinVar aggregate classification (germline): Pathogenic (1 of 4 stars; one submission).

Conditions:
Facioscapulohumeral muscular dystrophy 2 (FSHD2). Also called: FACIOSCAPULOHUMERAL MUSCULAR DYSTROPHY 2, DIGENIC; FSHD2, DIGENIC; MUSCULAR DYSTROPHY, FACIOSCAPULOHUMERAL, TYPE 1B. Identifiers: Orphanet 269, MedGen C1834671, MONDO:0008031, OMIM 158901.

Submission:

Labcorp Genetics (formerly Invitae), Labcorp
Classification: Pathogenic for Facioscapulohumeral muscular dystrophy 2. Last evaluated: 2021-12-22. Review status: criteria provided, single submitter. Criteria: Invitae Variant Classification Sherloc (09022015). Collection method: clinical testing. Allele origin: germline.
Comment: For these reasons, this variant has been classified as Pathogenic. This variant has not been reported in the literature in individuals affected with SMCHD1-related conditions. This variant is not present in population databases (gnomAD no frequency). This sequence change creates a premature translational stop signal (p.Trp1262*) in the SMCHD1 gene. It is expected to result in an absent or disrupted protein product. Loss-of-function variants in SMCHD1 are known to be pathogenic (PMID: 23143600).

Literature cited by the submitters: PubMed 23143600.